The following is an entry in ClinVar:

NM_001267550.2(TTN):c.98831G>A (p.Trp32944Ter)

Genes: TTN-AS1 (TTN antisense RNA 1; plus strand), TTN (titin; minus strand). Cytogenetic location: 2q31.2.
Variant type: single nucleotide variant.
Coding change: c.98831G>A on transcript NM_001267550.2 (MANE Select); coding-DNA position 98831, G replaced by A.
Protein change: p.Trp32944Ter; replaces tryptophan 32944 with a stop codon.
Molecular consequence: nonsense. On other transcripts: non-coding transcript variant (1).
Genome position (GRCh38, 1-based): chr2:178,539,104, C>T on the plus strand (G>A on the coding strand, the complement: TTN is on the minus strand). VCF-style: chr2-178539104-C-T. GRCh37 (hg19) VCF-style: chr2-179403831-C-T.
Other names: c.93908G>A, p.Trp31303Ter (NM_001256850.1); c.71636G>A, p.Trp23879Ter (NM_003319.4); c.91127G>A, p.Trp30376Ter (NM_133378.4); c.72011G>A, p.Trp24004Ter (NM_133432.3); c.72212G>A, p.Trp24071Ter (NM_133437.4); short protein forms W23879*, W24071*, W31303*, W32944*, W24004*, W30376*.
Identifiers: ClinVar variation 4783972 (VCV004783972.1).

ClinVar aggregate classification (germline): Likely pathogenic (1 of 4 stars; one submission).

Conditions:
Dilated cardiomyopathy 1G (CMD1G). Identifiers: Orphanet 154, MedGen C1858763, MONDO:0011400, OMIM 604145.
Autosomal recessive limb-girdle muscular dystrophy type 2J (LGMDR10). Also called: Limb-girdle muscular dystrophy, type 2J; MUSCULAR DYSTROPHY, LIMB-GIRDLE, AUTOSOMAL RECESSIVE 10. Identifiers: Orphanet 140922, MedGen C1837342, MONDO:0012127, OMIM 608807.

Submission:

Labcorp Genetics (formerly Invitae), Labcorp
Classification: Likely pathogenic for Dilated cardiomyopathy 1G; Autosomal recessive limb-girdle muscular dystrophy type 2J. Last evaluated: 2025-12-26. Review status: criteria provided, single submitter. Criteria: Invitae Variant Classification Sherloc (09022015). Collection method: clinical testing. Allele origin: germline.
Comment: This sequence change creates a premature translational stop signal (p.Trp32944*) in the TTN gene. While this is not anticipated to result in nonsense mediated decay, it is expected to create a truncated TTN protein. This variant is not present in population databases (gnomAD no frequency). This variant has not been reported in the literature in individuals affected with TTN-related conditions. This variant is located in the A band of TTN (PMID: 25589632). Truncating variants in this region are significantly overrepresented in patients affected with dilated cardiomyopathy (PMID: 25589632). Truncating variants in this region have also been reported in individuals affected with autosomal recessive centronuclear myopathy (PMID: 23975875). In summary, the currently available evidence indicates that the variant is pathogenic, but additional data are needed to prove that conclusively. Therefore, this variant has been classified as Likely Pathogenic.

Literature cited by the submitters: PubMed 25589632; PubMed 23975875.